The following is an entry in ClinVar:

ClinVar aggregate classification (germline): Uncertain significance (1 of 4 stars; one submission).

Allele frequency attached by ClinVar (database versions not stated): gnomAD 0.00001; TOPMed 0.00001; ExAC 0.00003.

Submission:

Labcorp Genetics (formerly Invitae), Labcorp
Classification: Uncertain significance. Last evaluated: 2022-05-20. Review status: criteria provided, single submitter. Criteria: Invitae Variant Classification Sherloc (09022015). Collection method: clinical testing. Allele origin: germline.
Comment: In summary, the available evidence is currently insufficient to determine the role of this variant in disease. Therefore, it has been classified as a Variant of Uncertain Significance. Algorithms developed to predict the effect of missense changes on protein structure and function are either unavailable or do not agree on the potential impact of this missense change (SIFT: "Deleterious"; PolyPhen-2: "Benign"; Align-GVGD: "Class C0"). This variant has not been reported in the literature in individuals affected with TPI1-related conditions. This variant is present in population databases (rs782539657, gnomAD 0.04%). This sequence change replaces alanine, which is neutral and non-polar, with threonine, which is neutral and polar, at codon 52 of the TPI1 protein (p.Ala52Thr).

NM_000365.6(TPI1):c.154G>A (p.Ala52Thr)

Gene: TPI1 (triosephosphate isomerase 1; plus strand). Cytogenetic location: 12p13.31.
Variant type: single nucleotide variant.
Coding change: c.154G>A on transcript NM_000365.6 (MANE Select); coding-DNA position 154, G replaced by A.
Protein change: p.Ala52Thr; replaces alanine 52 with threonine.
Molecular consequence: missense variant. On other transcripts: 5 prime UTR variant (1).
Genome position (GRCh38, 1-based): chr12:6,868,902, G>A. VCF-style: chr12-6868902-G-A. GRCh37 (hg19) VCF-style: chr12-6978066-G-A.
Other names: c.265G>A, p.Ala89Thr (NM_001159287.1); c.-93G>A (NM_001258026.2); short protein forms A52T, A89T.
Identifiers: ClinVar variation 1907788 (VCV001907788.4), dbSNP rs782539657, ClinGen allele CA6418863.